The following is an entry in ClinVar:

ClinVar aggregate classification (germline): Likely pathogenic (1 of 4 stars; one submission).

Conditions:
Cockayne syndrome type 2 (CSB). Also called: Cockayne Syndrome, Type II; COCKAYNE SYNDROME B. Identifiers: Orphanet 191, Orphanet 90322, MedGen C0751038, MONDO:0019570, OMIM 133540.

Submission:

Myriad Genetics, Inc.
Classification: Likely pathogenic for Cockayne syndrome type 2. Last evaluated: 2019-12-28. Review status: criteria provided, single submitter. Criteria: Myriad Women's Health Autosomal Recessive and X-Linked Classification Criteria (2019). Collection method: clinical testing. Allele origin: unknown.
Comment: NM_000124.2(ERCC6):c.1777A>T(R593*) is expected to be pathogenic in the context of ERCC6-related disorders. This variant is predicted to lead to an abnormal or absent protein product due to the creation of a premature termination codon in ERCC6, a gene where loss-of-function variants are known to be pathogenic. Please note: this variant was assessed in the context of healthy population screening.

NM_000124.4(ERCC6):c.1777A>T (p.Arg593Ter)

Gene: ERCC6 (ERCC excision repair 6, chromatin remodeling factor; minus strand). Cytogenetic location: 10q11.23.
Variant type: single nucleotide variant.
Coding change: c.1777A>T on transcript NM_000124.4 (MANE Select); coding-DNA position 1777, A replaced by T.
Protein change: p.Arg593Ter; replaces arginine 593 with a stop codon.
Molecular consequence: nonsense.
Genome position (GRCh38, 1-based): chr10:49,493,161, T>A on the plus strand (A>T on the coding strand, the complement: ERCC6 is on the minus strand). VCF-style: chr10-49493161-T-A. GRCh37 (hg19) VCF-style: chr10-50701207-T-A.
Other names: c.1777A>T, p.Arg593Ter (NM_001346440.2); short protein forms R593*.
Identifiers: ClinVar variation 984139 (VCV000984139.3), dbSNP rs768188064, ClinGen allele CA376726478.